The following is an entry in ClinVar:

NM_002439.5(MSH3):c.3012A>T (p.Leu1004Phe)

Gene: MSH3 (mutS homolog 3; plus strand). Cytogenetic location: 5q14.1.
Variant type: single nucleotide variant.
Coding change: c.3012A>T on transcript NM_002439.5 (MANE Select); coding-DNA position 3012, A replaced by T.
Protein change: p.Leu1004Phe; replaces leucine 1004 with phenylalanine.
Molecular consequence: missense variant.
Genome position (GRCh38, 1-based): chr5:80,864,824, A>T. VCF-style: chr5-80864824-A-T. GRCh37 (hg19) VCF-style: chr5-80160643-A-T.
Other names: c.3012A>T (NM_002439.3); short protein forms L1004F.
Identifiers: ClinVar variation 2133859 (VCV002133859.5), dbSNP rs2478789002, ClinGen allele CA360346066.

ClinVar aggregate classification (germline): Uncertain significance. Review status: criteria provided, multiple submitters, no conflicts (2 of 4 stars). 2 submissions from 2 submitters: Uncertain significance (2). Last evaluated 2026-07-07.

Conditions:
Hereditary cancer-predisposing syndrome. Also called: Tumor predisposition; Hereditary Cancer Syndrome; Hereditary neoplastic syndrome; Neoplastic Syndromes, Hereditary. Identifiers: Orphanet 140162, MedGen C0027672, MeSH D009386, MONDO:0015356.

Submissions (2):

Ambry Genetics
Classification: Uncertain significance for Hereditary cancer-predisposing syndrome. Last evaluated: 2026-07-07. Review status: criteria provided, single submitter. Criteria: Ambry Variant Classification Scheme 2023. Collection method: clinical testing. Allele origin: germline.
Comment: The p.L1004F variant (also known as c.3012A>T), located in coding exon 22 of the MSH3 gene, results from an A to T substitution at nucleotide position 3012. The leucine at codon 1004 is replaced by phenylalanine, an amino acid with highly similar properties. This amino acid position is conserved. In addition, this alteration is predicted to be tolerated by in silico analysis. Based on the available evidence, the clinical significance of this variant remains unclear.

Labcorp Genetics (formerly Invitae), Labcorp
Classification: Uncertain significance. Last evaluated: 2022-05-04. Review status: criteria provided, single submitter. Criteria: Invitae Variant Classification Sherloc (09022015). Collection method: clinical testing. Allele origin: germline.
Comment: In summary, the available evidence is currently insufficient to determine the role of this variant in disease. Therefore, it has been classified as a Variant of Uncertain Significance. Algorithms developed to predict the effect of missense changes on protein structure and function output the following: SIFT: "Deleterious"; PolyPhen-2: "Possibly Damaging"; Align-GVGD: "Class C0". The phenylalanine amino acid residue is found in multiple mammalian species, which suggests that this missense change does not adversely affect protein function. This variant has not been reported in the literature in individuals affected with MSH3-related conditions. This variant is not present in population databases (gnomAD no frequency). This sequence change replaces leucine, which is neutral and non-polar, with phenylalanine, which is neutral and non-polar, at codon 1004 of the MSH3 protein (p.Leu1004Phe).